The following is an entry in ClinVar:

ClinVar aggregate classification (germline): Likely benign. Review status: criteria provided, multiple submitters, no conflicts (2 of 4 stars). 4 submissions from 4 submitters: Likely benign (3). 1 of the submissions does not count toward it. Last evaluated 2025-12-30.

Conditions:
GATA3-related disorder. Also called: GATA3-related condition.
Hypoparathyroidism, deafness, renal disease syndrome (HDRS). Also called: HYPOPARATHYROIDISM, SENSORINEURAL DEAFNESS, AND RENAL DYSPLASIA SYNDROME. Identifiers: Orphanet 2237, MedGen C1840333, MONDO:0007797, OMIM 146255.

Submissions (4):

Labcorp Genetics (formerly Invitae), Labcorp
Classification: Likely benign. Last evaluated: 2025-12-30. Review status: criteria provided, single submitter. Criteria: Invitae Variant Classification Sherloc (09022015). Collection method: clinical testing. Allele origin: germline.

Fulgent Genetics
Classification: Likely benign for Hypoparathyroidism, deafness, renal disease syndrome. Last evaluated: 2021-10-20. Review status: criteria provided, single submitter. Criteria: ACMG Guidelines, 2015. Collection method: clinical testing. Allele origin: unknown.

GeneDx
Classification: Likely benign. Last evaluated: 2021-05-15. Review status: criteria provided, single submitter. Criteria: GeneDx Variant Classification Process June 2021. Collection method: clinical testing. Allele origin: germline. Affected: yes.
Comment: Has not been previously published as pathogenic or benign to our knowledge

PreventionGenetics, part of Exact Sciences
Classification: Likely benign for GATA3-related condition. Last evaluated: 2022-06-20. Review status: no assertion criteria provided. Collection method: clinical testing. Allele origin: germline. Not counted in ClinVar's aggregate classification.
Comment: This variant is classified as likely benign based on ACMG/AMP sequence variant interpretation guidelines (Richards et al. 2015 PMID: 25741868, with internal and published modifications).

NM_001002295.2(GATA3):c.373_375dup (p.Gly125dup)

Gene: GATA3 (GATA binding protein 3; plus strand). Cytogenetic location: 10p14.
Variant type: Duplication.
Coding change: c.373_375dup on transcript NM_001002295.2 (MANE Select); coding-DNA positions 373 to 375, 3 bases duplicated (GGC; older notation c.373_375dupGGC).
Protein change: p.Gly125dup; duplicates glycine 125.
Molecular consequence: inframe insertion.
Genome position (GRCh38, 1-based): chr10:8,058,436-8,058,438, GGC duplicated; duplicating any 3 consecutive bases within chr10:8,058,435-8,058,438 gives the same sequence; the c. name uses the placement nearest the transcript's 3' end. VCF-style (leftmost placement, unchanged base first): chr10-8058434-A-ACGG. GRCh37 (hg19) VCF-style: chr10-8100397-A-ACGG.
Other names: c.373_375dup, p.Gly125dup (NM_002051.3).
Identifiers: ClinVar variation 1194706 (VCV001194706.13), dbSNP rs547425013, ClinGen allele CA5404347.